The following is an entry in ClinVar:

NM_001130987.2(DYSF):c.131A>C (p.Asn44Thr)

Gene: DYSF (dysferlin; plus strand). Cytogenetic location: 2p13.2.
Variant type: single nucleotide variant.
Coding change: c.131A>C on transcript NM_001130987.2 (MANE Select); coding-DNA position 131, A replaced by C.
Protein change: p.Asn44Thr; replaces asparagine 44 with threonine.
Molecular consequence: missense variant.
Genome position (GRCh38, 1-based): chr2:71,480,922, A>C. VCF-style: chr2-71480922-A-C. GRCh37 (hg19) VCF-style: chr2-71708052-A-C.
Other names: c.131A>C, p.Asn44Thr (NM_001130455.2, NM_001130982.2, NM_001130983.2 and 3 more transcripts); c.128A>C, p.Asn43Thr (NM_001130976.2, NM_001130977.2, NM_001130978.2 and 4 more transcripts); short protein forms N43T, N44T.
Identifiers: ClinVar variation 1475959 (VCV001475959.5), dbSNP rs1478546068, ClinGen allele CA347216068.
Genomic context (GRCh38, chr2:71,480,922, plus strand): 5'-TCCCTTTTGTGTCTCTTGTAGGGGTGAAGAAGAGAACCAAAGTCATCAAGAACAGCGTGA[A>C]CCCTGTATGGAATGAGGTATGTGAGTTTTTCTCCTTCCTTTTCTCTCTGTCTGCTGCAGT-3'
Protein context (NP_001124459.1, residues 34-54): KRTKVIKNSV[Asn44Thr]PVWNEGFEWD

ClinVar aggregate classification (germline): Uncertain significance (1 of 4 stars; one submission).

Conditions:
Neuromuscular disease caused by qualitative or quantitative defects of dysferlin. Also called: Dysferlinopathy; Qualitative or quantitative defects of dysferlin. Identifiers: Orphanet 207073, MedGen C2931687, MONDO:0016145.

Allele frequency attached by ClinVar (database versions not stated): gnomAD exomes below 0.00001; TOPMed 0.00003.
gnomAD v4.1: 15 of 1,614,108 alleles (0.00093%); highest among the groups gnomAD compares: Admixed American, 0.0033%; no homozygotes.

Submission:

Labcorp Genetics (formerly Invitae), Labcorp
Classification: Uncertain significance for Neuromuscular disease caused by qualitative or quantitative defects of dysferlin. Last evaluated: 2021-08-30. Review status: criteria provided, single submitter. Criteria: Invitae Variant Classification Sherloc (09022015). Collection method: clinical testing. Allele origin: germline.
Comment: This sequence change replaces asparagine with threonine at codon 43 of the DYSF protein (p.Asn43Thr). The asparagine residue is moderately conserved and there is a small physicochemical difference between asparagine and threonine. This variant is not present in population databases (ExAC no frequency). This variant has not been reported in the literature in individuals affected with DYSF-related conditions. Advanced modeling of protein sequence and biophysical properties (such as structural, functional, and spatial information, amino acid conservation, physicochemical variation, residue mobility, and thermodynamic stability) performed at Invitae indicates that this missense variant is expected to disrupt DYSF protein function. In summary, the available evidence is currently insufficient to determine the role of this variant in disease. Therefore, it has been classified as a Variant of Uncertain Significance.